The following is an entry in ClinVar:

NM_014159.7(SETD2):c.2801G>A (p.Ser934Asn)

Gene: SETD2 (SET domain containing 2, histone lysine methyltransferase; minus strand). Cytogenetic location: 3p21.31.
Variant type: single nucleotide variant.
Coding change: c.2801G>A on transcript NM_014159.7 (MANE Select); coding-DNA position 2801, G replaced by A.
Protein change: p.Ser934Asn; replaces serine 934 with asparagine.
Molecular consequence: missense variant. On other transcripts: non-coding transcript variant (1).
Genome position (GRCh38, 1-based): chr3:47,121,835, C>T on the plus strand (G>A on the coding strand, the complement: SETD2 is on the minus strand). VCF-style: chr3-47121835-C-T. GRCh37 (hg19) VCF-style: chr3-47163325-C-T.
Other names: c.2669G>A, p.Ser890Asn (NM_001349370.3); short protein forms S890N, S934N.
Identifiers: ClinVar variation 4782176 (VCV004782176.1).
Genomic context (GRCh38, chr3:47,121,835, plus strand): 5'-AACCCATTATTACGCCTGTTCTCCCTGGAAGCAAATCCCTTTCCTGAATCAGGAAGGTCA[C>T]TACCTACTTCTACTATTGTTTCTTTCCCTGCATGCTTTAAAAACTCTGAACTTTTTTTAC-3'
Protein context (NP_054878.5, residues 924-944): AGKETIVEVG[Ser934Asn]DLPDSGKGFA

ClinVar aggregate classification (germline): Uncertain significance (1 of 4 stars; one submission).

Conditions:
Luscan-Lumish syndrome. Identifiers: Orphanet 597738, MedGen C4085873, MONDO:0014791, OMIM 616831.

Submission:

Labcorp Genetics (formerly Invitae), Labcorp
Classification: Uncertain significance for Luscan-Lumish syndrome. Last evaluated: 2025-02-11. Review status: criteria provided, single submitter. Criteria: Invitae Variant Classification Sherloc (09022015). Collection method: clinical testing. Allele origin: germline.
Comment: This sequence change replaces serine, which is neutral and polar, with asparagine, which is neutral and polar, at codon 934 of the SETD2 protein (p.Ser934Asn). This variant is not present in population databases (gnomAD no frequency). This variant has not been reported in the literature in individuals affected with SETD2-related conditions. Invitae Evidence Modeling of protein sequence and biophysical properties (such as structural, functional, and spatial information, amino acid conservation, physicochemical variation, residue mobility, and thermodynamic stability) indicates that this missense variant is not expected to disrupt SETD2 protein function with a negative predictive value of 80%. In summary, the available evidence is currently insufficient to determine the role of this variant in disease. Therefore, it has been classified as a Variant of Uncertain Significance.